The following is an entry in ClinVar:

ClinVar aggregate classification (germline): Likely benign (1 of 4 stars; one submission).

Allele frequency attached by ClinVar (database versions not stated): ESP Exome Variant Server 0.00048; TOPMed 0.00025; ExAC 0.00030; gnomAD 0.00033.
gnomAD v4.1: 569 of 1,199,703 alleles (0.047%); highest among the groups gnomAD compares: Non-Finnish European, 0.06%; no homozygotes.

Submission:

CeGaT Center for Human Genetics Tuebingen
Classification: Likely benign. Last evaluated: 2022-08-01. Review status: criteria provided, single submitter. Criteria: CeGaT Center For Human Genetics Tuebingen Variant Classification Criteria Version 2. Collection method: clinical testing. Allele origin: germline. Affected: yes. Observed: 1 variant allele.
Comment: CYLC1: BP4, BP7

NM_021118.3(CYLC1):c.441A>C (p.Ile147=)

Gene: CYLC1 (cylicin 1; plus strand). Cytogenetic location: Xq21.1.
Variant type: single nucleotide variant.
Coding change: c.441A>C on transcript NM_021118.3 (MANE Select); coding-DNA position 441, A replaced by C.
Protein change: p.Ile147=; no amino-acid change (isoleucine 147 retained).
Molecular consequence: synonymous variant. On other transcripts: intron variant (1).
Genome position (GRCh38, 1-based): chrX:83,873,149, A>C. VCF-style: chrX-83873149-A-C. GRCh37 (hg19) VCF-style: chrX-83128157-A-C.
Other names: c.174+1579A>C (NM_001271680.2).
Identifiers: ClinVar variation 2660993 (VCV002660993.24), dbSNP rs145042237, ClinGen allele CA10462937.